The following is an entry in ClinVar:

ClinVar aggregate classification (germline): Uncertain significance (1 of 4 stars; one submission).

Submission:

GeneDx
Classification: Uncertain significance. Last evaluated: 2014-06-27. Review status: criteria provided, single submitter. Criteria: GeneDx Variant Classification (06012015). Collection method: clinical testing. Allele origin: germline. Affected: yes.
Comment: P1441Ser (CCC>TCC): c.4321 C>T in exon 24 of the SCN2A gene (NM_021007.2). A variant of unknown significance has been identified in the SCN2A gene. The P1441S variant has not been published as a mutation, nor has it been reported as a benign polymorphism to our knowledge. It was not observed in approximately 6,500 individuals of European and African American ancestry in the NHLBI Exome Sequencing Project, indicating it is not a common benign variant in these populations. The P1441S variant is a non-conservative amino acid substitution, which is likely to impact secondary protein structure as these residues differ in polarity, charge, size and/or other properties. This substitution alters a conserved position in the cellular loop between the S5 and S6 transmembrane segments of the third homologous domain of the SCN2A protein (Shi et al., 2012). In silico analysis predicts this variant is probably damaging to the protein structure/function. Therefore, based on the currently available information, it is unclear whether this variant is a pathogenic mutation or a rare benign variant. The variant is found in INFANT-EPI panel(s).

NM_001040142.2(SCN2A):c.4321C>T (p.Pro1441Ser)

Gene: SCN2A (sodium voltage-gated channel alpha subunit 2; plus strand). Cytogenetic location: 2q24.3.
Variant type: single nucleotide variant.
Coding change: c.4321C>T on transcript NM_001040142.2 (MANE Select); coding-DNA position 4321, C replaced by T.
Protein change: p.Pro1441Ser; replaces proline 1441 with serine.
Molecular consequence: missense variant.
Genome position (GRCh38, 1-based): chr2:165,380,604, C>T. VCF-style: chr2-165380604-C-T. GRCh37 (hg19) VCF-style: chr2-166237114-C-T.
Other names: p.P1441S:CCC>TCC; c.4321C>T, p.Pro1441Ser (NM_001040143.2, NM_001371246.1, NM_001371247.1 and 1 more transcripts); short protein forms P1441S.
Identifiers: ClinVar variation 207003 (VCV000207003.2), dbSNP rs796053141, ClinGen allele CA317970.